The following is an entry in ClinVar:

ClinVar aggregate classification (germline): Uncertain significance (1 of 4 stars; one submission).

Conditions:
Atrioventricular septal defect 5 (AVSD5). Identifiers: MedGen C3280939, MONDO:0013769, OMIM 614474.

Submission:

Labcorp Genetics (formerly Invitae), Labcorp
Classification: Uncertain significance for Atrioventricular septal defect 5. Last evaluated: 2019-02-04. Review status: criteria provided, single submitter. Criteria: Invitae Variant Classification Sherloc (09022015). Collection method: clinical testing. Allele origin: germline.
Comment: In summary, the available evidence is currently insufficient to determine the role of this variant in disease. Therefore, it has been classified as a Variant of Uncertain Significance. Algorithms developed to predict the effect of missense changes on protein structure and function (SIFT, PolyPhen-2, Align-GVGD) all suggest that this variant is likely to be tolerated, but these predictions have not been confirmed by published functional studies and their clinical significance is uncertain. This variant has not been reported in the literature in individuals with GATA6-related conditions. This variant is not present in population databases (ExAC no frequency). This sequence change replaces glycine with arginine at codon 18 of the GATA6 protein (p.Gly18Arg). The glycine residue is weakly conserved and there is a moderate physicochemical difference between glycine and arginine.

NM_005257.6(GATA6):c.52G>C (p.Gly18Arg)

Gene: GATA6 (GATA binding protein 6; plus strand). Cytogenetic location: 18q11.2.
Variant type: single nucleotide variant.
Coding change: c.52G>C on transcript NM_005257.6 (MANE Select); coding-DNA position 52, G replaced by C.
Protein change: p.Gly18Arg; replaces glycine 18 with arginine.
Molecular consequence: missense variant.
Genome position (GRCh38, 1-based): chr18:22,171,196, G>C. VCF-style: chr18-22171196-G-C. GRCh37 (hg19) VCF-style: chr18-19751157-G-C.
Other names: short protein forms G18R.
Identifiers: ClinVar variation 857437 (VCV000857437.9), dbSNP rs2033034160, ClinGen allele CA401798441.